The following is an entry in ClinVar:

NM_001458.5(FLNC):c.6703G>A (p.Gly2235Ser)

Genes: FLNC-AS1 (FLNC antisense RNA 1; minus strand), FLNC (filamin C; plus strand). Cytogenetic location: 7q32.1.
Variant type: single nucleotide variant.
Coding change: c.6703G>A on transcript NM_001458.5 (MANE Select); coding-DNA position 6703, G replaced by A.
Protein change: p.Gly2235Ser; replaces glycine 2235 with serine.
Molecular consequence: missense variant.
Genome position (GRCh38, 1-based): chr7:128,854,192, G>A. VCF-style: chr7-128854192-G-A. GRCh37 (hg19) VCF-style: chr7-128494246-G-A.
Other names: c.6604G>A, p.Gly2202Ser (NM_001127487.2); short protein forms G2202S, G2235S.
Identifiers: ClinVar variation 943834 (VCV000943834.15), dbSNP rs752159793, ClinGen allele CA4476049.

ClinVar aggregate classification (germline): Conflicting classifications of pathogenicity. Review status: criteria provided, conflicting classifications (1 of 4 stars). 3 submissions from 3 submitters: Uncertain significance (2); Likely benign (1). Last evaluated 2026-07-10.

Conditions:
Distal myopathy with posterior leg and anterior hand involvement. Also called: WILLIAMS DISTAL MYOPATHY. Identifiers: Orphanet 63273, MedGen C3279722, MONDO:0013550, OMIM 614065.
Myofibrillar myopathy 5. Also called: Filaminopathy (type); FILAMINOPATHY, AUTOSOMAL DOMINANT. Identifiers: Orphanet 171445, MedGen C1836050, MONDO:0012289, OMIM 609524.
Hypertrophic cardiomyopathy 26. Also called: Cardiomyopathy, familial hypertrophic, 26. Identifiers: Orphanet 75249, MedGen C4310749, MONDO:0014883, OMIM 617047.
Cardiovascular phenotype. Identifiers: MedGen CN230736.
FLNC-related disorder. Also called: FLNC-related condition; FLNC-related disorders.

Allele frequency attached by ClinVar (database versions not stated): TOPMed below 0.00001; gnomAD 0.00001; gnomAD exomes 0.00001; ExAC 0.00002.
gnomAD v4.1: 14 of 1,608,432 alleles (0.00087%); highest among the groups gnomAD compares: East Asian, 0.018%; no homozygotes.

Submissions (3):

PreventionGenetics, part of Exact Sciences
Classification: Uncertain significance for FLNC-related condition. Last evaluated: 2026-07-10. Review status: criteria provided, single submitter. Criteria: ACMG Guidelines, 2015. Collection method: clinical testing. Allele origin: germline.
Comment: The FLNC c.6703G>A variant is predicted to result in the amino acid substitution p.Gly2235Ser. To our knowledge, this variant has not been reported in the literature. This variant is reported in 0.011% of alleles in individuals of East Asian descent in gnomAD. At this time, the clinical significance of this variant is uncertain due to the absence of conclusive functional and genetic evidence.

Labcorp Genetics (formerly Invitae), Labcorp
Classification: Likely benign for Distal myopathy with posterior leg and anterior hand involvement; Myofibrillar myopathy 5; Hypertrophic cardiomyopathy 26. Last evaluated: 2025-09-23. Review status: criteria provided, single submitter. Criteria: Invitae Variant Classification Sherloc (09022015). Collection method: clinical testing. Allele origin: germline.

Ambry Genetics
Classification: Uncertain significance for Cardiovascular phenotype. Last evaluated: 2025-06-28. Review status: criteria provided, single submitter. Criteria: Ambry Variant Classification Scheme 2023. Collection method: clinical testing. Allele origin: germline.
Comment: The p.G2235S variant (also known as c.6703G>A), located in coding exon 40 of the FLNC gene, results from a G to A substitution at nucleotide position 6703. The glycine at codon 2235 is replaced by serine, an amino acid with similar properties. This amino acid position is conserved. In addition, this alteration is predicted to be tolerated by in silico analysis. Since supporting evidence is limited at this time, the clinical significance of this alteration remains unclear.